The following is an entry in ClinVar:

ClinVar aggregate classification (germline): Uncertain significance. Review status: criteria provided, multiple submitters, no conflicts (2 of 4 stars). 5 submissions from 5 submitters: Uncertain significance (5). Last evaluated 2024-12-09.

Conditions:
Autosomal recessive limb-girdle muscular dystrophy type 2K. Also called: MUSCULAR DYSTROPHY-DYSTROGLYCANOPATHY (LIMB-GIRDLE), TYPE C, 1; MUSCULAR DYSTROPHY, LIMB-GIRDLE, TYPE 2K. Identifiers: Orphanet 86812, MedGen C1836373, MONDO:0012248, OMIM 609308.
Muscular dystrophy-dystroglycanopathy (congenital with impaired intellectual development), type B, 1. Also called: Muscular dystrophy-dystroglycanopathy (congenital with intellectual disability), type B1; MUSCULAR DYSTROPHY, CONGENITAL, POMT1-RELATED. Identifiers: MedGen C5436962, MONDO:0013159, OMIM 613155.
Walker-Warburg congenital muscular dystrophy. Also called: Muscular dystrophy-dystroglycanopathy, type A; Walker-Warburg syndrome. Identifiers: Orphanet 899, MedGen C0265221, MONDO:0000171.
Inborn genetic diseases. Identifiers: MedGen C0950123, MeSH D030342.

Allele frequency attached by ClinVar (database versions not stated): gnomAD 0.00021 and 0.00023; ESP Exome Variant Server 0.00023; ExAC 0.00007; gnomAD exomes 0.00003 and 0.00007; TOPMed 0.00029.
gnomAD v4.1: 80 of 1,614,118 alleles (0.005%); highest among the groups gnomAD compares: African/African-American, 0.068%; no homozygotes.

Submissions (5):

Labcorp Genetics (formerly Invitae), Labcorp
Classification: Uncertain significance for Muscular dystrophy-dystroglycanopathy (congenital with impaired intellectual development), type B, 1; Walker-Warburg congenital muscular dystrophy; Autosomal recessive limb-girdle muscular dystrophy type 2K. Last evaluated: 2024-12-09. Review status: criteria provided, single submitter. Criteria: Invitae Variant Classification Sherloc (09022015). Collection method: clinical testing. Allele origin: germline.
Comment: This sequence change replaces threonine, which is neutral and polar, with methionine, which is neutral and non-polar, at codon 210 of the POMT1 protein (p.Thr210Met). This variant is present in population databases (rs377037072, gnomAD 0.1%). This variant has not been reported in the literature in individuals affected with POMT1-related conditions. ClinVar contains an entry for this variant (Variation ID: 501991). Invitae Evidence Modeling of protein sequence and biophysical properties (such as structural, functional, and spatial information, amino acid conservation, physicochemical variation, residue mobility, and thermodynamic stability) has been performed for this missense variant. However, the output from this modeling did not meet the statistical confidence thresholds required to predict the impact of this variant on POMT1 protein function. In summary, the available evidence is currently insufficient to determine the role of this variant in disease. Therefore, it has been classified as a Variant of Uncertain Significance.

Ambry Genetics
Classification: Uncertain significance for Inborn genetic diseases. Last evaluated: 2023-11-27. Review status: criteria provided, single submitter. Criteria: Ambry Variant Classification Scheme 2023. Collection method: clinical testing. Allele origin: germline.

Revvity Omics, Revvity
Classification: Uncertain significance. Last evaluated: 2022-09-20. Review status: criteria provided, single submitter. Criteria: ACMG Guidelines, 2015. Collection method: clinical testing. Allele origin: germline.

GeneDx
Classification: Uncertain significance. Last evaluated: 2021-12-13. Review status: criteria provided, single submitter. Criteria: GeneDx Variant Classification Process June 2021. Collection method: clinical testing. Allele origin: germline. Affected: yes.
Comment: In silico analysis supports that this missense variant has a deleterious effect on protein structure/function; Has not been previously published as pathogenic or benign to our knowledge; This variant is associated with the following publications: (PMID: 22549409)

Eurofins Ntd Llc (ga)
Classification: Uncertain significance. Last evaluated: 2017-05-23. Review status: criteria provided, single submitter. Criteria: EGL Classification Definitions 2015. Collection method: clinical testing. Allele origin: germline. Observed: 2 variant alleles, 2 heterozygotes.

NM_001077365.2(POMT1):c.629C>T (p.Thr210Met)

Gene: POMT1 (protein O-mannosyltransferase 1; plus strand). Cytogenetic location: 9q34.13.
Variant type: single nucleotide variant.
Coding change: c.629C>T on transcript NM_001077365.2 (MANE Select); coding-DNA position 629, C replaced by T.
Protein change: p.Thr210Met; replaces threonine 210 with methionine.
Molecular consequence: missense variant. On other transcripts: non-coding transcript variant (10).
Genome position (GRCh38, 1-based): chr9:131,509,926, C>T. VCF-style: chr9-131509926-C-T. GRCh37 (hg19) VCF-style: chr9-134385313-C-T.
Other names: c.467C>T, p.Thr156Met (NM_001077366.2, NM_001353194.2, NM_001353197.2 and 3 more transcripts); c.629C>T, p.Thr210Met (NM_001136113.2, NM_001353193.2, NM_001374690.1 and 1 more transcripts); c.278C>T, p.Thr93Met (NM_001136114.2, NM_001353195.2, NM_001353199.2 and 2 more transcripts); c.539C>T, p.Thr180Met (NM_001353196.2); c.173C>T, p.Thr58Met (NM_001353200.2, NM_001374695.1); short protein forms T210M, T156M, T58M, T180M, T93M.
Identifiers: ClinVar variation 501991 (VCV000501991.16), dbSNP rs377037072, ClinGen allele CA5293358.